The following is an entry in ClinVar:

ClinVar aggregate classification (germline): Uncertain significance. Review status: criteria provided, multiple submitters, no conflicts (2 of 4 stars). 3 submissions from 3 submitters: Uncertain significance (3). Last evaluated 2026-07-06.

Conditions:
Hereditary cancer-predisposing syndrome. Also called: Hereditary Cancer Syndrome; Tumor predisposition; Hereditary neoplastic syndrome; Neoplastic Syndromes, Hereditary. Identifiers: Orphanet 140162, MedGen C0027672, MeSH D009386, MONDO:0015356.
Tuberous sclerosis 2 (TSC2). Identifiers: Orphanet 805, MedGen C1860707, MONDO:0013199, OMIM 613254.

Submissions (3):

Ambry Genetics
Classification: Uncertain significance for Hereditary cancer-predisposing syndrome. Last evaluated: 2026-07-06. Review status: criteria provided, single submitter. Criteria: Ambry Variant Classification Scheme 2023. Collection method: clinical testing. Allele origin: germline.
Comment: The p.M449L variant (also known as c.1345A>T), located in coding exon 12 of the TSC2 gene, results from an A to T substitution at nucleotide position 1345. The methionine at codon 449 is replaced by leucine, an amino acid with highly similar properties. This amino acid position is conserved. In addition, the in silico prediction for this alteration is inconclusive. Based on the available evidence, the clinical significance of this variant remains unclear.

GeneDx
Classification: Uncertain significance. Last evaluated: 2024-01-31. Review status: criteria provided, single submitter. Criteria: GeneDx Variant Classification Process June 2021. Collection method: clinical testing. Allele origin: germline. Affected: yes.
Comment: Not observed at significant frequency in large population cohorts (gnomAD); In silico analysis supports that this missense variant does not alter protein structure/function; Has not been previously published as pathogenic or benign to our knowledge

Labcorp Genetics (formerly Invitae), Labcorp
Classification: Uncertain significance for Tuberous sclerosis 2. Last evaluated: 2021-12-02. Review status: criteria provided, single submitter. Criteria: Invitae Variant Classification Sherloc (09022015). Collection method: clinical testing. Allele origin: germline.
Comment: In summary, the available evidence is currently insufficient to determine the role of this variant in disease. Therefore, it has been classified as a Variant of Uncertain Significance. Advanced modeling of protein sequence and biophysical properties (such as structural, functional, and spatial information, amino acid conservation, physicochemical variation, residue mobility, and thermodynamic stability) performed at Invitae indicates that this missense variant is not expected to disrupt TSC2 protein function. ClinVar contains an entry for this variant (Variation ID: 535924). This variant has not been reported in the literature in individuals affected with TSC2-related conditions. This variant is not present in population databases (gnomAD no frequency). This sequence change replaces methionine, which is neutral and non-polar, with leucine, which is neutral and non-polar, at codon 449 of the TSC2 protein (p.Met449Leu).

NM_000548.5(TSC2):c.1345A>T (p.Met449Leu)

Gene: TSC2 (TSC complex subunit 2; plus strand). Cytogenetic location: 16p13.3.
Variant type: single nucleotide variant.
Coding change: c.1345A>T on transcript NM_000548.5 (MANE Select); coding-DNA position 1345, A replaced by T.
Protein change: p.Met449Leu; replaces methionine 449 with leucine.
Molecular consequence: missense variant.
Genome position (GRCh38, 1-based): chr16:2,062,584, A>T. VCF-style: chr16-2062584-A-T. GRCh37 (hg19) VCF-style: chr16-2112585-A-T.
Other names: c.1345A>T, p.Met449Leu (NM_001077183.3, NM_001114382.3, NM_001363528.2 and 3 more transcripts); c.1234A>T, p.Met412Leu (NM_001318827.2); c.1198A>T, p.Met400Leu (NM_001318829.2); c.745A>T, p.Met249Leu (NM_001318831.2); c.1378A>T, p.Met460Leu (NM_001318832.2); short protein forms M449L, M249L, M400L, M412L, M460L.
Identifiers: ClinVar variation 535924 (VCV000535924.8), dbSNP rs1555501441, ClinGen allele CA394322605.